The following is an entry in ClinVar:

ClinVar aggregate classification (germline): Uncertain significance (1 of 4 stars; one submission).

Conditions:
Mega-corpus-callosum syndrome with cerebellar hypoplasia and cortical malformations. Identifiers: MedGen C4748927, MONDO:0032648, OMIM 618273.

gnomAD v4.1: 1 of 1,613,918 alleles (0.000062%); highest among the groups gnomAD compares: South Asian, 0.0011%; no homozygotes.

Submission:

Neuberg Centre For Genomic Medicine, NCGM
Classification: Uncertain significance for Mega-corpus-callosum syndrome with cerebellar hypoplasia and cortical malformations. Review status: criteria provided, single submitter. Criteria: ACMG Guidelines, 2015. Collection method: clinical testing. Allele origin: germline. Inheritance: Autosomal dominant inheritance. Affected: yes.
Comment: The observed missense c.443G>C p.Gly148Ala variant in MAST1 gene has not been reported previously as a pathogenic variant nor as a benign variant, to our knowledge. The p.Gly148Ala variant is absent in gnomAD Exomes. This variant has not been submitted to the ClinVar database. Multiple lines of computational evidence Polyphen - Probably damaging, SIFT – Damaging and Mutation Taster - Disease causing predict a damaging effect on protein structure and function for this variant. The reference amino acid on MAST1 gene is predicted as conserved by GERP++ and PhyloP across 100 vertebrates. The amino acid Gly at position 148 is changed to a Ala changing protein sequence and it might alter its composition and physico-chemical properties. For these reasons, this variant has been classified as Variant of Uncertain Significance VUS.

NM_014975.3(MAST1):c.443G>C (p.Gly148Ala)

Gene: MAST1 (microtubule associated serine/threonine kinase 1; plus strand). Cytogenetic location: 19p13.13.
Variant type: single nucleotide variant.
Coding change: c.443G>C on transcript NM_014975.3 (MANE Select); coding-DNA position 443, G replaced by C.
Protein change: p.Gly148Ala; replaces glycine 148 with alanine.
Molecular consequence: missense variant.
Genome position (GRCh38, 1-based): chr19:12,847,405, G>C. VCF-style: chr19-12847405-G-C. GRCh37 (hg19) VCF-style: chr19-12958219-G-C.
Other names: short protein forms G148A.
Identifiers: ClinVar variation 3393426 (VCV003393426.1).